The following is an entry in ClinVar:

ClinVar aggregate classification (germline): Likely benign. Review status: criteria provided, multiple submitters, no conflicts (2 of 4 stars). 3 submissions from 3 submitters: Likely benign (3). Last evaluated 2024-07-10.

Conditions:
Catecholaminergic polymorphic ventricular tachycardia (CVPT). Also called: Catecholamine-induced polymorphic ventricular tachycardia. Identifiers: Orphanet 3286, MedGen C5574922, MONDO:0017990.
Catecholaminergic polymorphic ventricular tachycardia 1. Also called: RYR2-Related Catecholaminergic Polymorphic Ventricular Tachycardia; VENTRICULAR TACHYCARDIA, CATECHOLAMINERGIC POLYMORPHIC, 1, WITH OR WITHOUT ATRIAL DYSFUNCTION AND/OR DILATED CARDIOMYOPATHY; VENTRICULAR TACHYCARDIA, STRESS-INDUCED POLYMORPHIC 1. Identifiers: Orphanet 3286, MedGen C1631597, MONDO:0011484, OMIM 604772.

Allele frequency attached by ClinVar (database versions not stated): gnomAD exomes 0.00001.
gnomAD v4.1: 8 of 1,569,086 alleles (0.00051%); highest among the groups gnomAD compares: Non-Finnish European, 0.00061%; no homozygotes.

Submissions (3):

All of Us Research Program, National Institutes of Health
Classification: Likely benign for Catecholaminergic polymorphic ventricular tachycardia. Last evaluated: 2024-07-10. Review status: criteria provided, single submitter. Criteria: ACMG Guidelines, 2015. Collection method: clinical testing. Allele origin: germline. Inheritance: Autosomal dominant inheritance. Observed: 1 variant allele, 1 heterozygote.
Comment: This study involves interpretation of variants in research participants for the purpose of population health screening. Participant phenotype was not available at the time of variant classification. Additional details can be found in publication PMID: 35346344, PMCID: PMC8962531

Labcorp Genetics (formerly Invitae), Labcorp
Classification: Likely benign for Catecholaminergic polymorphic ventricular tachycardia 1. Last evaluated: 2022-06-04. Review status: criteria provided, single submitter. Criteria: Invitae Variant Classification Sherloc (09022015). Collection method: clinical testing. Allele origin: germline.

GeneDx
Classification: Likely benign. Last evaluated: 2016-07-26. Review status: criteria provided, single submitter. Criteria: GeneDx Variant Classification (06012015). Collection method: clinical testing. Allele origin: germline. Affected: yes.
Comment: This variant is considered likely benign or benign based on one or more of the following criteria: it is a conservative change, it occurs at a poorly conserved position in the protein, it is predicted to be benign by multiple in silico algorithms, and/or has population frequency not consistent with disease.

NM_001035.3(RYR2):c.49-9C>G

Gene: RYR2 (ryanodine receptor 2; plus strand). Cytogenetic location: 1q43.
Variant type: single nucleotide variant.
Coding change: c.49-9C>G on transcript NM_001035.3 (MANE Select); 9 bases into the intron before coding-DNA position 49, C replaced by G.
Molecular consequence: intron variant.
Genome position (GRCh38, 1-based): chr1:237,270,488, C>G. VCF-style: chr1-237270488-C-G. GRCh37 (hg19) VCF-style: chr1-237433788-C-G.
Other names: c.49-9C>G (LRG_402t1).
Identifiers: ClinVar variation 387948 (VCV000387948.14), dbSNP rs1057522958, ClinGen allele CA16603621.